The following is an entry in ClinVar:

ClinVar aggregate classification (germline): Likely pathogenic. Review status: criteria provided, multiple submitters, no conflicts (2 of 4 stars). 3 submissions from 3 submitters: Likely pathogenic (3). Last evaluated 2026-08-19.

Conditions:
Hereditary cancer-predisposing syndrome. Also called: Tumor predisposition; Hereditary Cancer Syndrome; Hereditary neoplastic syndrome; Neoplastic Syndromes, Hereditary. Identifiers: Orphanet 140162, MedGen C0027672, MeSH D009386, MONDO:0015356.
BARD1-related cancer predisposition. Identifiers: MedGen CN377756, MONDO:0700267.
Familial cancer of breast. Also called: Hereditary breast cancer; hereditary breast carcinoma; BREAST CANCER, FAMILIAL. Identifiers: Orphanet 227535, MedGen C0346153, MONDO:0016419, OMIM 114480. Disease mechanism: loss of function.

gnomAD v4.1: 1 of 1,614,178 alleles (0.000062%); no homozygotes.

Submissions (3):

Ambry Genetics
Classification: Likely pathogenic for Hereditary cancer-predisposing syndrome. Last evaluated: 2026-08-19. Review status: criteria provided, single submitter. Criteria: Ambry Variant Classification Scheme 2023. Collection method: clinical testing. Allele origin: germline.
Comment: The p.Q701* variant (also known as c.2101C>T), located in coding exon 11 of the BARD1 gene, results from a C to T substitution at nucleotide position 2101. This changes the amino acid from a glutamine to a stop codon within coding exon 11. This variant occurs at the 3' terminus of the gene, is not expected to trigger nonsense-mediated mRNA decay, and impacts the last 14% of the protein. However, premature stop codons are typically deleterious in nature and the impacted region is critical for protein function (Ambry internal data). This variant is considered to be rare based on population cohorts in the Genome Aggregation Database (gnomAD). Based on the majority of available evidence to date, this variant is likely to be pathogenic.

Labcorp Genetics (formerly Invitae), Labcorp
Classification: Likely pathogenic for Familial cancer of breast. Last evaluated: 2025-05-27. Review status: criteria provided, single submitter. Criteria: Invitae Variant Classification Sherloc (09022015). Collection method: clinical testing. Allele origin: germline.
Comment: This sequence change creates a premature translational stop signal (p.Gln701*) in the BARD1 gene. While this is not anticipated to result in nonsense mediated decay, it is expected to disrupt the last 77 amino acid(s) of the BARD1 protein. This variant is not present in population databases (gnomAD no frequency). This variant has not been reported in the literature in individuals affected with BARD1-related conditions. ClinVar contains an entry for this variant (Variation ID: 1066134). This variant disrupts the C-terminal BRCT domain of BARD1 protein, which is required for chromosome stability and homology-directed repair (PMID: 17848578). A different variant (p.Val767fs) that lies downstream of this variant has been reported to affect BARD1 protein function (PMID: 30925164), this suggests that disruption of this region of the protein is causative of disease. In summary, the currently available evidence indicates that the variant is pathogenic, but additional data are needed to prove that conclusively. Therefore, this variant has been classified as Likely Pathogenic.

Molecular Pathology, Peter Maccallum Cancer Centre
Classification: Likely pathogenic for BARD1-related cancer predisposition. Last evaluated: 2024-01-12. Review status: criteria provided, single submitter. Criteria: ACMG Guidelines, 2015. Collection method: clinical testing. Allele origin: germline. Inheritance: Autosomal dominant inheritance.

Literature cited by the submitters: PubMed 17848578 (cited by Labcorp Genetics (formerly Invitae), Labcorp); PubMed 30925164 (cited by Labcorp Genetics (formerly Invitae), Labcorp).

NM_000465.4(BARD1):c.2101C>T (p.Gln701Ter)

Gene: BARD1 (BRCA1 associated RING domain 1; minus strand). Cytogenetic location: 2q35.
Variant type: single nucleotide variant.
Coding change: c.2101C>T on transcript NM_000465.4 (MANE Select); coding-DNA position 2101, C replaced by T.
Protein change: p.Gln701Ter; replaces glutamine 701 with a stop codon.
Molecular consequence: nonsense. On other transcripts: non-coding transcript variant (3).
Genome position (GRCh38, 1-based): chr2:214,728,909, G>A on the plus strand (C>T on the coding strand, the complement: BARD1 is on the minus strand). VCF-style: chr2-214728909-G-A. GRCh37 (hg19) VCF-style: chr2-215593633-G-A.
Other names: c.2044C>T, p.Gln682Ter (NM_001282543.2); c.748C>T, p.Gln250Ter (NM_001282545.2); c.691C>T, p.Gln231Ter (NM_001282548.2); c.562C>T, p.Gln188Ter (NM_001282549.2); short protein forms Q188*, Q231*, Q250*, Q682*, Q701*.
Identifiers: ClinVar variation 1066134 (VCV001066134.14), dbSNP rs587782348, ClinGen allele CA350450619.